The following is an entry in ClinVar:

ClinVar aggregate classification (germline): Uncertain significance. Review status: criteria provided, multiple submitters, no conflicts (2 of 4 stars). 2 submissions from 2 submitters: Uncertain significance (2). Last evaluated 2020-03-19.

Conditions:
Cardiovascular phenotype. Identifiers: MedGen CN230736.

Allele frequency attached by ClinVar (database versions not stated): gnomAD 0.00003 and 0.00004; ESP Exome Variant Server 0.00008.

Submissions (2):

Ambry Genetics
Classification: Uncertain significance for Cardiovascular phenotype. Last evaluated: 2020-03-19. Review status: criteria provided, single submitter. Criteria: Ambry Variant Classification Scheme 2023. Collection method: clinical testing. Allele origin: germline.
Comment: The p.I14860N variant (also known as c.44579T>A), located in coding exon 153 of the TTN gene, results from a T to A substitution at nucleotide position 44579. The isoleucine at codon 14860 is replaced by asparagine, an amino acid with dissimilar properties. This amino acid position is not well conserved in available vertebrate species. In addition, this alteration is predicted to be tolerated by in silico analysis. Since supporting evidence is limited at this time, the clinical significance of this alteration remains unclear.

GeneDx
Classification: Uncertain significance. Last evaluated: 2019-04-24. Review status: criteria provided, single submitter. Criteria: GeneDx Variant Classification Process June 2021. Collection method: clinical testing. Allele origin: germline. Affected: yes.
Comment: Not observed at a significant frequency in large population cohorts (Lek et al., 2016); Missense variant in a gene in which most reported pathogenic variants are truncating/loss-of-function; Has not been previously published as pathogenic or benign to our knowledge

NM_001267550.2(TTN):c.71774T>A (p.Ile23925Asn)

Genes: TTN (titin; minus strand), TTN-AS1 (TTN antisense RNA 1; plus strand). Cytogenetic location: 2q31.2.
Variant type: single nucleotide variant.
Coding change: c.71774T>A on transcript NM_001267550.2 (MANE Select); coding-DNA position 71774, T replaced by A.
Protein change: p.Ile23925Asn; replaces isoleucine 23925 with asparagine.
Molecular consequence: missense variant.
Genome position (GRCh38, 1-based): chr2:178,574,358, A>T on the plus strand (T>A on the coding strand, the complement: TTN is on the minus strand). VCF-style: chr2-178574358-A-T. GRCh37 (hg19) VCF-style: chr2-179439085-A-T.
Other names: c.66851T>A, p.Ile22284Asn (NM_001256850.1); c.44579T>A, p.Ile14860Asn (NM_003319.4); c.64070T>A, p.Ile21357Asn (NM_133378.4); c.44954T>A, p.Ile14985Asn (NM_133432.3); c.45155T>A, p.Ile15052Asn (NM_133437.4); short protein forms I14860N, I14985N, I15052N, I21357N, I22284N, I23925N.
Identifiers: ClinVar variation 1187802 (VCV001187802.4), dbSNP rs374887185, ClinGen allele CA1990586.